The following is an entry in ClinVar:

ClinVar aggregate classification (germline): Pathogenic. Review status: criteria provided, multiple submitters, no conflicts (2 of 4 stars). 2 submissions from 2 submitters: Pathogenic (2). Last evaluated 2025-05-18.

Conditions:
Inborn genetic diseases. Identifiers: MedGen C0950123, MeSH D030342.

Submissions (2):

GeneDx
Classification: Pathogenic. Last evaluated: 2025-05-18. Review status: criteria provided, single submitter. Criteria: GeneDx Variant Classification Process June 2021. Collection method: clinical testing. Allele origin: germline. Affected: yes.
Comment: Nonsense variant predicted to result in protein truncation or nonsense mediated decay in a gene for which loss of function is a known mechanism of disease; Not observed at significant frequency in large population cohorts (gnomAD); Has not been previously published as pathogenic or benign to our knowledge

Ambry Genetics
Classification: Pathogenic for Inborn genetic diseases. Last evaluated: 2024-10-15. Review status: criteria provided, single submitter. Criteria: Ambry Variant Classification Scheme 2023. Collection method: clinical testing. Allele origin: germline.
Comment: The c.5506C>T (p.R1836*) alteration, located in exon 11 (coding exon 10) of the SRRM2 gene, consists of a C to T substitution at nucleotide position 5506. This changes the amino acid from an arginine (R) to a stop codon at amino acid position 1836. This alteration is expected to result in loss of function by premature protein truncation or nonsense-mediated mRNA decay. This allele was reported in one heterozygous individual in population-based cohorts in the Genome Aggregation Database (gnomAD). Based on the available evidence, this alteration is classified as pathogenic.

NM_016333.4(SRRM2):c.5506C>T (p.Arg1836Ter)

Gene: SRRM2 (serine/arginine repetitive matrix 2; plus strand). Cytogenetic location: 16p13.3.
Variant type: single nucleotide variant.
Coding change: c.5506C>T on transcript NM_016333.4 (MANE Select); coding-DNA position 5506, C replaced by T.
Protein change: p.Arg1836Ter; replaces arginine 1836 with a stop codon.
Molecular consequence: nonsense.
Genome position (GRCh38, 1-based): chr16:2,766,034, C>T. VCF-style: chr16-2766034-C-T. GRCh37 (hg19) VCF-style: chr16-2816035-C-T.
Other names: short protein forms R1836*.
Identifiers: ClinVar variation 3449578 (VCV003449578.2).